The following is an entry in ClinVar:

ClinVar aggregate classification (germline): Likely pathogenic (1 of 4 stars; one submission).

Conditions:
Hyper-IgE recurrent infection syndrome 3, autosomal recessive. Also called: Autosomal recessive hyper-IgE syndrome due to ZNF341 deficiency; HYPER-IgE SYNDROME 3, AUTOSOMAL RECESSIVE, WITH RECURRENT INFECTIONS. Identifiers: Orphanet 641368, MedGen C4748969, MONDO:0032654, OMIM 618282.

Submission:

Labcorp Genetics (formerly Invitae), Labcorp
Classification: Likely pathogenic for Combined immunodeficiency due to DOCK8 deficiency. Last evaluated: 2022-10-05. Review status: criteria provided, single submitter. Criteria: Invitae Variant Classification Sherloc (09022015). Collection method: clinical testing. Allele origin: germline.
Comment: This variant results in a copy number gain of the genomic region encompassing exon(s) 2-6 of the DOCK8 gene. While the exact position of this variant cannot be determined from the data, sub-genic copy number gains are generally in tandem (PMID: 25640679). This variant is predicted to be out-of-frame, and may result in an absent or disrupted protein product. Loss-of-function variants in DOCK8 are known to be pathogenic (PMID: 14722525, 19776401). This variant has not been reported in the literature in individuals affected with DOCK8-related conditions. In summary, the currently available evidence indicates that the variant is pathogenic, but additional data are needed to prove that conclusively. Therefore, this variant has been classified as Likely Pathogenic.

Literature cited by the submitters: PubMed 25640679; PubMed 14722525; PubMed 19776401.

NC_000009.11:g.(?_271607)_(312186_?)dup

Gene: DOCK8 (dedicator of cytokinesis 8; plus strand). Cytogenetic location: 9p24.3.
Variant type: Duplication.
Identifiers: ClinVar variation 1349612 (VCV001349612.9).